The following is an entry in ClinVar:

NM_198578.4(LRRK2):c.2023A>G (p.Ile675Val)

Gene: LRRK2 (leucine rich repeat kinase 2; plus strand). Cytogenetic location: 12q12.
Variant type: single nucleotide variant.
Coding change: c.2023A>G on transcript NM_198578.4 (MANE Select); coding-DNA position 2023, A replaced by G.
Protein change: p.Ile675Val; replaces isoleucine 675 with valine.
Molecular consequence: missense variant.
Genome position (GRCh38, 1-based): chr12:40,277,969, A>G. VCF-style: chr12-40277969-A-G. GRCh37 (hg19) VCF-style: chr12-40671771-A-G.
Other names: short protein forms I675V.
Identifiers: ClinVar variation 1784601 (VCV001784601.3), dbSNP rs1326037380, ClinGen allele CA384404593.

ClinVar aggregate classification (germline): Uncertain significance (1 of 4 stars; one submission).

Conditions:
Inborn genetic diseases. Identifiers: MedGen C0950123, MeSH D030342.

gnomAD v4.1: 2 of 1,613,420 alleles (0.00012%); highest among the groups gnomAD compares: Non-Finnish European, 0.00017%; no homozygotes.

Submission:

Ambry Genetics
Classification: Uncertain significance for Inborn genetic diseases. Last evaluated: 2024-05-14. Review status: criteria provided, single submitter. Criteria: Ambry Variant Classification Scheme 2023. Collection method: clinical testing. Allele origin: germline.
Comment: The p.I675V variant (also known as c.2023A>G), located in coding exon 17 of the LRRK2 gene, results from an A to G substitution at nucleotide position 2023. The isoleucine at codon 675 is replaced by valine, an amino acid with highly similar properties. This amino acid position is conserved. In addition, this alteration is predicted to be tolerated by in silico analysis. Since supporting evidence is limited at this time, the clinical significance of this alteration remains unclear.